The following is an entry in ClinVar:

NM_015910.7(WDPCP):c.1275T>G (p.Thr425=)

Gene: WDPCP (WD repeat containing planar cell polarity effector; minus strand). Cytogenetic location: 2p15.
Variant type: single nucleotide variant.
Coding change: c.1275T>G on transcript NM_015910.7 (MANE Select); coding-DNA position 1275, T replaced by G.
Protein change: p.Thr425=; no amino-acid change (threonine 425 retained).
Molecular consequence: synonymous variant. On other transcripts: non-coding transcript variant (3).
Genome position (GRCh38, 1-based): chr2:63,404,208, A>C on the plus strand (T>G on the coding strand, the complement: WDPCP is on the minus strand). VCF-style: chr2-63404208-A-C. GRCh37 (hg19) VCF-style: chr2-63631343-A-C.
Other names: c.798T>G, p.Thr266= (NM_001042692.3); c.1203T>G, p.Thr401= (NM_001354044.2); c.1275T>G, p.Thr425= (NM_001354045.2); c.1275T>G (NM_015910.5).
Identifiers: ClinVar variation 1284275 (VCV001284275.4), dbSNP rs2105186553, ClinGen allele CA426420683.

ClinVar aggregate classification (germline): Likely benign. Review status: criteria provided, single submitter (1 of 4 stars). 3 submissions from 3 submitters: Likely benign (1). 2 of the submissions do not count toward it. Last evaluated 2026-04-15.

Conditions:
WDPCP-related disorder. Also called: WDPCP-related condition.

Allele frequency attached by ClinVar (database versions not stated): gnomAD exomes below 0.00001.
gnomAD v4.1: 3 of 1,613,940 alleles (0.00019%); highest among the groups gnomAD compares: Non-Finnish European, 0.00025%; no homozygotes.

Submissions (3):

PreventionGenetics, part of Exact Sciences
Classification: Likely benign for WDPCP-related condition. Last evaluated: 2026-04-15. Review status: criteria provided, single submitter. Criteria: ACMG Guidelines, 2015. Collection method: clinical testing. Allele origin: germline.
Comment: This variant is classified as likely benign based on ACMG/AMP sequence variant interpretation guidelines (Richards et al. 2015 PMID: 25741868, with internal and published modifications).

Clinical Genetics DNA and cytogenetics Diagnostics Lab, Erasmus MC, Erasmus Medical Center
Classification: Likely benign. Review status: no assertion criteria provided. Collection method: clinical testing. Allele origin: germline. Affected: yes. Study: VKGL Data-share Consensus. Not counted in ClinVar's aggregate classification.

Clinical Genetics, Academic Medical Center
Classification: Benign. Review status: no assertion criteria provided. Collection method: clinical testing. Allele origin: germline. Affected: yes. Study: VKGL Data-share Consensus. Not counted in ClinVar's aggregate classification.